The following is an entry in ClinVar:

NM_032608.7(MYO18B):c.6922_6923del (p.Lys2308fs)

Gene: MYO18B (myosin XVIIIB; plus strand). Cytogenetic location: 22q12.1.
Variant type: Deletion.
Coding change: c.6922_6923del on transcript NM_032608.7 (MANE Select); coding-DNA positions 6922 to 6923, 2 bases deleted (AA; older notation c.6922_6923delAA).
Protein change: p.Lys2308fs; shifts the reading frame from lysine 2308.
Molecular consequence: frameshift variant.
Genome position (GRCh38, 1-based): chr22:26,026,896-26,026,897, AA deleted; deleting any 2 consecutive bases within chr22:26,026,895-26,026,897 gives the same sequence; the c. name uses the placement nearest the transcript's 3' end. VCF-style (leftmost placement, unchanged base first): chr22-26026894-CAA-C. GRCh37 (hg19) VCF-style: chr22-26422860-CAA-C.
Other names: c.6925_6926del, p.Lys2309fs (NM_001318245.2); short protein forms K2308fs, K2309fs.
Identifiers: ClinVar variation 3609956 (VCV003609956.2).

ClinVar aggregate classification (germline): Pathogenic (1 of 4 stars; one submission).

Submission:

Labcorp Genetics (formerly Invitae), Labcorp
Classification: Pathogenic. Last evaluated: 2025-05-17. Review status: criteria provided, single submitter. Criteria: Invitae Variant Classification Sherloc (09022015). Collection method: clinical testing. Allele origin: germline.
Comment: This sequence change creates a premature translational stop signal (p.Lys2308Valfs*114) in the MYO18B gene. It is expected to result in an absent or disrupted protein product. Loss-of-function variants in MYO18B are known to be pathogenic (PMID: 25748484, 32184166, 32637634). This variant is not present in population databases (gnomAD no frequency). This variant has not been reported in the literature in individuals affected with MYO18B-related conditions. ClinVar contains an entry for this variant (Variation ID: 3609956). For these reasons, this variant has been classified as Pathogenic.

Literature cited by the submitters: PubMed 25748484; PubMed 32184166; PubMed 32637634.